The following is an entry in ClinVar:

ClinVar aggregate classification (germline): Pathogenic/Likely pathogenic. Review status: criteria provided, multiple submitters, no conflicts (2 of 4 stars). 9 submissions from 9 submitters: Pathogenic (7); Likely pathogenic (1). 1 of the submissions does not count toward it. Last evaluated 2026-01-17.

Conditions:
Retinitis pigmentosa (RP). Identifiers: Orphanet 791, MedGen C0035334, MeSH D012174, MONDO:0019200, OMIM 268000. Inheritance: Autosomal dominant, autosomal recessive and X linked inheritance.
SLC24A1-related disorder. Also called: SLC24A1-related condition.
Congenital stationary night blindness 1D. Also called: Night blindness, congenital stationary (complete), 1D, autosomal recessive. Identifiers: Orphanet 215, MedGen C3151193, MONDO:0013450, OMIM 613830.
Retinal dystrophy. Also called: Inherited retinal dystrophy. Identifiers: Orphanet 71862, MedGen C0854723, MeSH D058499, MONDO:0019118, HP:0000556.
Congenital stationary night blindness autosomal dominant 2. Also called: NIGHT BLINDNESS, CONGENITAL STATIONARY, RAMBUSCH TYPE. Identifiers: Orphanet 215, MedGen C1876182, MONDO:0008099, OMIM 163500.

Allele frequency attached by ClinVar (database versions not stated): ExAC 0.00006; gnomAD exomes 0.00010 and 0.00018; TOPMed 0.00011; gnomAD 0.00015 and 0.00016.

Submissions (9):

Labcorp Genetics (formerly Invitae), Labcorp
Classification: Pathogenic. Last evaluated: 2026-01-17. Review status: criteria provided, single submitter. Criteria: Invitae Variant Classification Sherloc (09022015). Collection method: clinical testing. Allele origin: germline.
Comment: This sequence change creates a premature translational stop signal (p.Met252Valfs*2) in the SLC24A1 gene. It is expected to result in an absent or disrupted protein product. Loss-of-function variants in SLC24A1 are known to be pathogenic (PMID: 20850105, 26822852). This variant is present in population databases (rs777989874, gnomAD 0.03%). This premature translational stop signal has been observed in individual(s) with macular degeneration (PMID: 12037007). ClinVar contains an entry for this variant (Variation ID: 560508). For these reasons, this variant has been classified as Pathogenic.

PreventionGenetics, part of Exact Sciences
Classification: Pathogenic for SLC24A1-related condition. Last evaluated: 2026-01-05. Review status: criteria provided, single submitter. Criteria: ACMG Guidelines, 2015. Collection method: clinical testing. Allele origin: germline.
Comment: The SLC24A1 c.754_755delAT variant is predicted to result in a frameshift and premature protein termination (p.Met252Valfs*2). This variant has been reported in the homozygous state in a large cohort of individuals with retinal disease (Table S1, Lin et al. 2024. PubMed ID: 38219857) and in the heterozygous state in an individual with age-related macular degeneration (Sharon et al. 2002. PubMed ID: 12037007). This variant is reported in 0.026% of alleles in individuals of European (Non-Finnish) descent in gnomAD. Frameshift variants in SLC24A1 are expected to be pathogenic. Taken together, this variant is interpreted as pathogenic for autosomal recessive disease.

Blueprint Genetics
Classification: Pathogenic for SLC24A1-related disorders. Last evaluated: 2024-11-14. Review status: criteria provided, single submitter. Criteria: ACMG Guidelines, 2015. Collection method: clinical testing. Allele origin: germline. Affected: yes. Observed: 5 variant alleles.

Institute of Human Genetics, University of Leipzig Medical Center
Classification: Pathogenic for Congenital stationary night blindness autosomal dominant 2. Last evaluated: 2023-11-30. Review status: criteria provided, single submitter. Criteria: ACMG Guidelines, 2015. Collection method: clinical testing. Allele origin: maternal. Inheritance: Autosomal recessive inheritance. Affected: yes.
Comment: Criteria applied: PVS1,PM2_SUP,PM3

Department of Pathology and Laboratory Medicine, Sinai Health System
Classification: Likely pathogenic for Congenital stationary night blindness 1D. Last evaluated: 2022-12-21. Review status: criteria provided, single submitter. Criteria: ACMG Guidelines, 2015. Collection method: research. Allele origin: germline.

3billion
Classification: Pathogenic for Congenital stationary night blindness 1D. Last evaluated: 2022-01-03. Review status: criteria provided, single submitter. Criteria: ACMG Guidelines, 2015. Collection method: clinical testing. Allele origin: germline. Affected: yes. Observed: 1 homozygote.
Comment: Frameshift: predicted to result in a loss or disruption of normal protein function through nonsense-mediated decay (NMD) or protein truncation. Multiple pathogenic variants are reported downstream of the variant (PVS1_VS). The variant has been reported at least twice as pathogenic/likely pathogenic with clinical assertions and evidence for the classification (ClinVar ID: VCV000560508, 3billion dataset) It is observed at an extremely low frequency in the gnomAD v2.1.1 dataset (total allele frequency: 0.000128, PM2_M). Therefore, this variant is classified as pathogenic according to the recommendation of ACMG/AMP guideline.

Institute of Human Genetics, Univ. Regensburg, Univ. Regensburg
Classification: Pathogenic for Retinal dystrophy. Last evaluated: 2022-01-01. Review status: criteria provided, single submitter. Criteria: ACMG Guidelines, 2015. Collection method: clinical testing. Allele origin: germline. Affected: yes.

Mendelics
Classification: Pathogenic for Congenital stationary night blindness 1D. Last evaluated: 2019-05-28. Review status: criteria provided, single submitter. Criteria: Mendelics Assertion Criteria 2017. Collection method: clinical testing. Allele origin: unknown.

Joint Genome Diagnostic Labs from Nijmegen and Maastricht, Radboudumc and MUMC+
Classification: Pathogenic for Retinitis pigmentosa. Last evaluated: 2016-09-01. Review status: no assertion criteria provided. Collection method: clinical testing. Allele origin: unknown. Affected: yes. Observed: 1 variant allele. Not counted in ClinVar's aggregate classification.

Literature cited by the submitters: PubMed 20850105 (cited by Labcorp Genetics (formerly Invitae), Labcorp); PubMed 26822852 (cited by Labcorp Genetics (formerly Invitae), Labcorp); PubMed 12037007 (cited by Labcorp Genetics (formerly Invitae), Labcorp and Institute of Human Genetics, Univ. Regensburg, Univ. Regensburg); PubMed 31589614 (cited by Institute of Human Genetics, Univ. Regensburg, Univ. Regensburg); PubMed 31964843 (cited by Institute of Human Genetics, Univ. Regensburg, Univ. Regensburg).

NM_004727.3(SLC24A1):c.754_755del (p.Met252fs)

Gene: SLC24A1 (solute carrier family 24 member 1; plus strand). Cytogenetic location: 15q22.31.
Variant type: Deletion.
Coding change: c.754_755del on transcript NM_004727.3 (MANE Select); coding-DNA positions 754 to 755, 2 bases deleted (AT; older notation c.754_755delAT).
Protein change: p.Met252fs; shifts the reading frame from methionine 252.
Molecular consequence: frameshift variant.
Genome position (GRCh38, 1-based): chr15:65,624,834-65,624,835, AT deleted. VCF-style (leftmost placement, unchanged base first): chr15-65624833-AAT-A. GRCh37 (hg19) VCF-style: chr15-65917171-AAT-A.
Other names: c.754_755del, p.Met252fs (NM_001301031.1, NM_001301032.1, NM_001301033.2); short protein forms M252fs.
Identifiers: ClinVar variation 560508 (VCV000560508.22), dbSNP rs777989874, ClinGen allele CA7619800.